The following is an entry in ClinVar:

NM_001013838.3(CARMIL2):c.1896G>T (p.Ala632=)

Gene: CARMIL2 (capping protein regulator and myosin 1 linker 2; plus strand). Cytogenetic location: 16q22.1.
Variant type: single nucleotide variant.
Coding change: c.1896G>T on transcript NM_001013838.3 (MANE Select); coding-DNA position 1896, G replaced by T.
Protein change: p.Ala632=; no amino-acid change (alanine 632 retained).
Molecular consequence: synonymous variant.
Genome position (GRCh38, 1-based): chr16:67,649,596, G>T. VCF-style: chr16-67649596-G-T. GRCh37 (hg19) VCF-style: chr16-67683499-G-T.
Other names: c.1896G>T (NM_001013838.1); c.1788G>T, p.Ala596= (NM_001317026.3).
Identifiers: ClinVar variation 1085096 (VCV001085096.12), dbSNP rs200887928, ClinGen allele CA8113585.

ClinVar aggregate classification (germline): Likely benign. Review status: criteria provided, multiple submitters, no conflicts (2 of 4 stars). 4 submissions from 4 submitters: Likely benign (3). 1 of the submissions does not count toward it. Last evaluated 2026-01-11.

Conditions:
CARMIL2-related disorder. Also called: CARMIL2-related condition.

Allele frequency attached by ClinVar (database versions not stated): 1000 Genomes Project 30x 0.00016; ESP Exome Variant Server 0.00025.

Submissions (4):

Labcorp Genetics (formerly Invitae), Labcorp
Classification: Likely benign. Last evaluated: 2026-01-11. Review status: criteria provided, single submitter. Criteria: Invitae Variant Classification Sherloc (09022015). Collection method: clinical testing. Allele origin: germline.

Blueprint Genetics
Classification: Likely benign. Last evaluated: 2024-11-25. Review status: criteria provided, single submitter. Criteria: ACMG Guidelines, 2015. Collection method: clinical testing. Allele origin: germline.

Breakthrough Genomics
Classification: Likely benign. Review status: criteria provided, single submitter. Criteria: ACMG Guidelines, 2015. Collection method: not provided. Allele origin: germline. Inheritance: Autosomal recessive inheritance. Affected: yes.

PreventionGenetics, part of Exact Sciences
Classification: Likely benign for CARMIL2-related condition. Last evaluated: 2019-10-28. Review status: no assertion criteria provided. Collection method: clinical testing. Allele origin: germline. Not counted in ClinVar's aggregate classification.
Comment: This variant is classified as likely benign based on ACMG/AMP sequence variant interpretation guidelines (Richards et al. 2015 PMID: 25741868, with internal and published modifications).